The following is an entry in ClinVar:

NM_147127.5(EVC2):c.1239_1256del (p.Thr415_Leu420del)

Genes: EVC2 (EvC ciliary complex subunit 2; minus strand), LOC126806961 (BRD4-independent group 4 enhancer GRCh37_chr4:5641443-5642642; plus strand). Cytogenetic location: 4p16.2.
Variant type: Deletion.
Coding change: c.1239_1256del on transcript NM_147127.5 (MANE Select); coding-DNA positions 1239 to 1256, 18 bases deleted (TCTCACCAGCAGTGGCCA).
Protein change: p.Thr415_Leu420del.
Molecular consequence: inframe deletion.
Genome position (GRCh38, 1-based): chr4:5,640,728-5,640,745, TGGCCACTGCTGGTGAGA deleted on the plus strand (TCTCACCAGCAGTGGCCA on the coding strand, the reverse complement: EVC2 is on the minus strand); deleting any 18 consecutive bases within chr4:5,640,728-5,640,746 gives the same sequence; the c. name uses the placement nearest the transcript's 3' end. VCF-style (leftmost placement, unchanged base first): chr4-5640727-GTGGCCACTGCTGGTGAGA-G. GRCh37 (hg19) VCF-style: chr4-5642454-GTGGCCACTGCTGGTGAGA-G.
Other names: c.999_1016del, p.Thr335_Leu340del (NM_001166136.2).
Identifiers: ClinVar variation 3750029 (VCV003750029.2).

ClinVar aggregate classification (germline): Uncertain significance (1 of 4 stars; one submission).

Conditions:
Ellis-van Creveld syndrome (EVC). Also called: EVC-Related Ellis-van Creveld Syndrome; EVC2-Related Ellis-van Creveld Syndrome; MESOECTODERMAL DYSPLASIA; Chondroectodermal dysplasia. Identifiers: Orphanet 289, MedGen C0013903, MONDO:0009162, OMIM 225500.
Curry-Hall syndrome (WAD). Also called: WEYERS ACRODENTAL DYSOSTOSIS. Identifiers: Orphanet 952, MedGen C0457013, MONDO:0008673, OMIM 193530.

Submission:

Labcorp Genetics (formerly Invitae), Labcorp
Classification: Uncertain significance for Curry-Hall syndrome; Ellis-van Creveld syndrome. Last evaluated: 2024-07-06. Review status: criteria provided, single submitter. Criteria: Invitae Variant Classification Sherloc (09022015). Collection method: clinical testing. Allele origin: germline.
Comment: This variant, c.1239_1256del, results in the deletion of 6 amino acid(s) of the EVC2 protein (p.Thr415_Leu420del), but otherwise preserves the integrity of the reading frame. This variant is not present in population databases (gnomAD no frequency). This variant has not been reported in the literature in individuals affected with EVC2-related conditions. Experimental studies and prediction algorithms are not available or were not evaluated, and the functional significance of this variant is currently unknown. In summary, the available evidence is currently insufficient to determine the role of this variant in disease. Therefore, it has been classified as a Variant of Uncertain Significance.